The following is an entry in ClinVar:

NM_005476.7(GNE):c.*2391C>T

Gene: GNE (glucosamine (UDP-N-acetyl)-2-epimerase/N-acetylmannosamine kinase; minus strand). Cytogenetic location: 9p13.3.
Variant type: single nucleotide variant.
Coding change: c.*2391C>T on transcript NM_005476.7 (MANE Select); 2391 bases downstream of the stop codon, C replaced by T.
Molecular consequence: 3 prime UTR variant.
Genome position (GRCh38, 1-based): chr9:36,214,974, G>A on the plus strand (C>T on the coding strand, the complement: GNE is on the minus strand). VCF-style: chr9-36214974-G-A. GRCh37 (hg19) VCF-style: chr9-36214971-G-A.
Other names: c.*2391C>T (NM_001128227.3, NM_001190383.3, NM_001190384.3 and 3 more transcripts).
Identifiers: ClinVar variation 366804 (VCV000366804.9), dbSNP rs1043313, ClinGen allele CA10630052.

ClinVar aggregate classification (germline): Benign. Review status: criteria provided, multiple submitters, no conflicts (2 of 4 stars). 3 submissions from 3 submitters: Benign (3). Last evaluated 2021-05-13.

Conditions:
Sialuria. Also called: SIALURIA, FRENCH TYPE; Sialic Acid Storage Disease. Identifiers: Orphanet 3166, MedGen C0342853, MONDO:0010028, OMIM 269921.

Allele frequency attached by ClinVar (database versions not stated): 1000 Genomes Project 0.56929; 1000 Genomes Project 30x 0.57527; TOPMed 0.69780; gnomAD 0.70440 and 0.71766.

Submissions (3):

GeneDx
Classification: Benign. Last evaluated: 2021-05-13. Review status: criteria provided, single submitter. Criteria: GeneDx Variant Classification Process June 2021. Collection method: clinical testing. Allele origin: germline. Affected: yes.

Illumina Laboratory Services, Illumina
Classification: Benign for Sialuria. Last evaluated: 2018-01-12. Review status: criteria provided, single submitter. Criteria: ICSL Variant Classification Criteria 13 December 2019. Collection method: clinical testing. Allele origin: germline.
Comment: This variant was observed in the ICSL laboratory as part of a predisposition screen in an ostensibly healthy population. It had not been previously curated by ICSL or reported in the Human Gene Mutation Database (HGMD: prior to June 1st, 2018), and was therefore a candidate for classification through an automated scoring system. Utilizing variant allele frequency, disease prevalence and penetrance estimates, and inheritance mode, an automated score was calculated to assess if this variant is too frequent to cause the disease. Based on the score and internal cut-off values, a variant classified as benign is not then subjected to further curation. The score for this variant resulted in a classification of benign for this disease.

Breakthrough Genomics
Classification: Benign. Review status: criteria provided, single submitter. Criteria: ACMG Guidelines, 2015. Collection method: not provided. Allele origin: germline. Inheritance: Autosomal recessive inheritance. Affected: yes.